The following is an entry in ClinVar:

NM_000465.4(BARD1):c.296G>A (p.Arg99Lys)

Gene: BARD1 (BRCA1 associated RING domain 1; minus strand). Cytogenetic location: 2q35.
Variant type: single nucleotide variant.
Coding change: c.296G>A on transcript NM_000465.4 (MANE Select); coding-DNA position 296, G replaced by A.
Protein change: p.Arg99Lys; replaces arginine 99 with lysine.
Molecular consequence: missense variant. On other transcripts: non-coding transcript variant (1), intron variant (2).
Genome position (GRCh38, 1-based): chr2:214,792,365, C>T on the plus strand (G>A on the coding strand, the complement: BARD1 is on the minus strand). VCF-style: chr2-214792365-C-T. GRCh37 (hg19) VCF-style: chr2-215657089-C-T.
Other names: c.239G>A, p.Arg80Lys (NM_001282543.2); c.296G>A, p.Arg99Lys (NM_001282549.2); c.158+17047G>A (NM_001282548.2); c.215+4696G>A (NM_001282545.2); short protein forms R99K, R80K.
Identifiers: ClinVar variation 231793 (VCV000231793.22), dbSNP rs876659369, ClinGen allele CA10577851.

ClinVar aggregate classification (germline): Uncertain significance. Review status: criteria provided, multiple submitters, no conflicts (2 of 4 stars). 4 submissions from 4 submitters: Uncertain significance (4). Last evaluated 2025-06-06.

Conditions:
Hereditary cancer-predisposing syndrome. Also called: Neoplastic Syndromes, Hereditary; Tumor predisposition; Hereditary Cancer Syndrome; Hereditary neoplastic syndrome. Identifiers: Orphanet 140162, MedGen C0027672, MeSH D009386, MONDO:0015356.
Familial cancer of breast. Also called: BREAST CANCER, FAMILIAL; hereditary breast carcinoma; Hereditary breast cancer. Identifiers: Orphanet 227535, MedGen C0346153, MONDO:0016419, OMIM 114480. Disease mechanism: loss of function.

Submissions (4):

Ambry Genetics
Classification: Uncertain significance for Hereditary cancer-predisposing syndrome. Last evaluated: 2025-06-06. Review status: criteria provided, single submitter. Criteria: Ambry Variant Classification Scheme 2023. Collection method: clinical testing. Allele origin: germline.
Comment: The p.R99K variant (also known as c.296G>A), located in coding exon 3 of the BARD1 gene, results from a G to A substitution at nucleotide position 296. The arginine at codon 99 is replaced by lysine, an amino acid with highly similar properties. This amino acid position is highly conserved in available vertebrate species. In addition, this alteration is predicted to be tolerated by in silico analysis. Based on the available evidence, the clinical significance of this variant remains unclear.

Labcorp Genetics (formerly Invitae), Labcorp
Classification: Uncertain significance for Familial cancer of breast. Last evaluated: 2024-04-10. Review status: criteria provided, single submitter. Criteria: Invitae Variant Classification Sherloc (09022015). Collection method: clinical testing. Allele origin: germline.
Comment: This sequence change replaces arginine, which is basic and polar, with lysine, which is basic and polar, at codon 99 of the BARD1 protein (p.Arg99Lys). This variant is not present in population databases (gnomAD no frequency). This missense change has been observed in individual(s) with esophageal cancer (PMID: 30833958). ClinVar contains an entry for this variant (Variation ID: 231793). An algorithm developed to predict the effect of missense changes on protein structure and function (PolyPhen-2) suggests that this variant is likely to be tolerated. In summary, the available evidence is currently insufficient to determine the role of this variant in disease. Therefore, it has been classified as a Variant of Uncertain Significance.

Color Diagnostics, LLC DBA Color Health
Classification: Uncertain significance for Hereditary cancer-predisposing syndrome. Last evaluated: 2019-06-24. Review status: criteria provided, single submitter. Criteria: ACMG Guidelines, 2015. Collection method: clinical testing. Allele origin: germline.

GeneDx
Classification: Uncertain significance. Last evaluated: 2015-02-28. Review status: criteria provided, single submitter. Criteria: GeneDx Variant Classification (06012015). Collection method: clinical testing. Allele origin: germline. Affected: yes.
Comment: This variant is denoted BARD1 c.296G>A at the cDNA level, p.Arg99Lys (R99K) at the protein level, and results in the change of an Arginine to a Lysine (AGA>AAA). This variant has not, to our knowledge, been published in the literature as pathogenic or benign. BARD1 Arg99Lys was not observed in approximately 6,500 individuals of European and African American ancestry in the NHLBI Exome Sequencing Project, indicating it is not a common benign variant in these populations. Since Arginine and Lysine share similar properties, this is considered a conservative amino acid substitution. BARD1 Arg99Lys occurs at a position that is well conserved across species and is located in the region of interaction with BRCA1 (UniProt). In silico analyses predict that this variant is probably damaging to protein structure and function. Based on currently available information, it is unclear whether BARD1 Arg99Lys is pathogenic or benign. We consider it to be a variant of uncertain significance.

Literature cited by the submitters: PubMed 30833958 (cited by Labcorp Genetics (formerly Invitae), Labcorp).